The following is an entry in ClinVar:

ClinVar aggregate classification (germline): Uncertain significance (1 of 4 stars; one submission).

Conditions:
Familial thoracic aortic aneurysm and aortic dissection (TAAD). Also called: Thoracic aortic aneurysms and dissections. Identifiers: Orphanet 91387, MedGen C4707243, MONDO:0019625.

gnomAD v4.1: 2 of 1,614,208 alleles (0.00012%); highest among the groups gnomAD compares: Non-Finnish European, 0.00017%; no homozygotes.

Submission:

Ambry Genetics
Classification: Uncertain significance for Familial thoracic aortic aneurysm and aortic dissection. Last evaluated: 2020-07-06. Review status: criteria provided, single submitter. Criteria: Ambry Variant Classification Scheme 2023. Collection method: clinical testing. Allele origin: germline.
Comment: The p.G1271A variant (also known as c.3812G>C), located in coding exon 29 of the FBN2 gene, results from a G to C substitution at nucleotide position 3812. The glycine at codon 1271 is replaced by alanine, an amino acid with similar properties, and is located in a cbEGF-like domain. This variant has been detected in an individual with severe idiopathic scoliosis, and in an individual with tricuspid valve insufficiency, tall stature, pectus excavatum, arched palate and dental crowding (Buchan JG et al. Hum. Mol. Genet., 2014 Oct;23:5271-82; Overwater E et al. Hum. Mutat., 2018 09;39:1173-1192). This amino acid position is highly conserved in available vertebrate species. In addition, this alteration is predicted to be deleterious by in silico analysis. Since supporting evidence is limited at this time, the clinical significance of this alteration remains unclear.

Literature cited by the submitters: PubMed 24833718; PubMed 29907982.

NM_001999.4(FBN2):c.3812G>C (p.Gly1271Ala)

Gene: FBN2 (fibrillin 2; minus strand). Cytogenetic location: 5q23.3.
Variant type: single nucleotide variant.
Coding change: c.3812G>C on transcript NM_001999.4 (MANE Select); coding-DNA position 3812, G replaced by C.
Protein change: p.Gly1271Ala; replaces glycine 1271 with alanine.
Molecular consequence: missense variant.
Genome position (GRCh38, 1-based): chr5:128,335,490, C>G on the plus strand (G>C on the coding strand, the complement: FBN2 is on the minus strand). VCF-style: chr5-128335490-C-G. GRCh37 (hg19) VCF-style: chr5-127671182-C-G.
Other names: short protein forms G1271A.
Identifiers: ClinVar variation 1735171 (VCV001735171.2), dbSNP rs1206523915, ClinGen allele CA360757965.